The following is an entry in ClinVar:

NM_001366145.2(TRPM3):c.3305C>A (p.Pro1102Gln)

Gene: TRPM3 (transient receptor potential cation channel subfamily M member 3; minus strand). Cytogenetic location: 9q21.12.
Variant type: single nucleotide variant.
Coding change: c.3305C>A on transcript NM_001366145.2 (MANE Select); coding-DNA position 3305, C replaced by A.
Protein change: p.Pro1102Gln; replaces proline 1102 with glutamine.
Molecular consequence: missense variant.
Genome position (GRCh38, 1-based): chr9:70,553,229, G>T on the plus strand (C>A on the coding strand, the complement: TRPM3 is on the minus strand). VCF-style: chr9-70553229-G-T. GRCh37 (hg19) VCF-style: chr9-73168145-G-T.
Other names: c.3269C>A, p.Pro1090Gln (NM_001007471.4, NM_001366151.2); c.3275C>A, p.Pro1092Gln (NM_001366141.2, NM_001366143.2, NM_001366149.2); c.3311C>A, p.Pro1104Gln (NM_001366142.2); c.3305C>A, p.Pro1102Gln (NM_001366146.2); c.3380C>A, p.Pro1127Gln (NM_001366147.2, NM_001366152.2); c.3350C>A, p.Pro1117Gln (NM_001366148.2); c.3239C>A, p.Pro1080Gln (NM_001366150.2); c.2846C>A, p.Pro949Gln (NM_001366154.2, NM_024971.7); and 5 more; short protein forms P1102Q, P937Q, P1117Q, P939Q, P962Q, P1104Q, P952Q, P1080Q.
Identifiers: ClinVar variation 625153 (VCV000625153.3), dbSNP rs1564292436, ClinGen allele CA373554116.

ClinVar aggregate classification (germline): Uncertain significance (0 of 4 stars; one submission).

Conditions:
Seizure. Also called: Seizures. Identifiers: MedGen C0036572, HP:0001250.
Global developmental delay (DD). Also called: Cognitive delay. Identifiers: MedGen C0557874, HP:0001263. Disease mechanism: loss of function.

Submission:

Department of Pediatrics, University of Ottawa
Classification: Uncertain significance for Seizure; Global developmental delay. Last evaluated: 2019-03-26. Review status: no assertion criteria provided. Collection method: clinical testing. Allele origin: de novo. Inheritance: Autosomal dominant inheritance. Affected: yes. Observed: 1 heterozygote.
Comment: Single proband with de novo substitution in the context of epilepsy and moderate-to-severe global developmental delay. Further, six individuals in the same cohort were heterozygous for a different de novo substitution, TRPM3(NM_020952.4):c.2509G>A, NP_066003.3:p.(Val837Met); however the substitution described in this submission was observed only once. Its significance remains unclear pending identification in additional probands with similar clinical features.